The following is an entry in ClinVar:

NM_152783.5(D2HGDH):c.*40C>T

Gene: D2HGDH (D-2-hydroxyglutarate dehydrogenase; plus strand). Cytogenetic location: 2q37.3.
Variant type: single nucleotide variant.
Coding change: c.*40C>T on transcript NM_152783.5 (MANE Select); 40 bases downstream of the stop codon, C replaced by T.
Molecular consequence: 3 prime UTR variant. On other transcripts: non-coding transcript variant (1).
Genome position (GRCh38, 1-based): chr2:241,768,009, C>T. VCF-style: chr2-241768009-C-T. GRCh37 (hg19) VCF-style: chr2-242707424-C-T.
Other names: c.*40C>T (NM_001287249.2, NM_001352824.2).
Identifiers: ClinVar variation 896841 (VCV000896841.5), dbSNP rs139456115, ClinGen allele CA2222273.
Genomic context (GRCh38, chr2:241,768,009, plus strand): 5'-ACGCTGCCCAGCCAGGCCTGACGGCCACTCCTGCTGCTGCCAAGGCCCACTGGGGGTCGG[C>T]GGGTGGCTCTCGGGCGGGGGTGTTGCGGTGGCTCTGAGGGATGAGCCGGCAGTGGGCAGG-3'

ClinVar aggregate classification (germline): Likely benign. Review status: criteria provided, multiple submitters, no conflicts (2 of 4 stars). 2 submissions from 2 submitters: Likely benign (2). Last evaluated 2018-01-12.

Conditions:
D-2-hydroxyglutaric aciduria 1 (D2HGA1). Identifiers: Orphanet 79315, MedGen C3152055, MONDO:0024554, OMIM 600721.

Allele frequency attached by ClinVar (database versions not stated): gnomAD exomes 0.00068; ExAC 0.00101; ESP Exome Variant Server 0.00282; gnomAD 0.00286 and 0.00309; TOPMed 0.00308; 1000 Genomes Project 0.00459; 1000 Genomes Project 30x 0.00500.

Submissions (2):

Illumina Laboratory Services, Illumina
Classification: Likely benign for D-2-hydroxyglutaric aciduria 1. Last evaluated: 2018-01-12. Review status: criteria provided, single submitter. Criteria: ICSL Variant Classification Criteria 13 December 2019. Collection method: clinical testing. Allele origin: germline.
Comment: This variant was observed in the ICSL laboratory as part of a predisposition screen in an ostensibly healthy population. It had not been previously curated by ICSL or reported in the Human Gene Mutation Database (HGMD: prior to June 1st, 2018), and was therefore a candidate for classification through an automated scoring system. Utilizing variant allele frequency, disease prevalence and penetrance estimates, and inheritance mode, an automated score was calculated to assess if this variant is too frequent to cause the disease. Based on the score and internal cut-off values, a variant classified as likely benign is not then subjected to further curation. The score for this variant resulted in a classification of likely benign for this disease.

Breakthrough Genomics
Classification: Likely benign. Review status: criteria provided, single submitter. Criteria: ACMG Guidelines, 2015. Collection method: not provided. Allele origin: germline. Inheritance: Autosomal recessive inheritance. Affected: yes.